The following is an entry in ClinVar:

NM_016507.4(CDK12):c.271C>T (p.Leu91=)

Genes: CDK12 (cyclin dependent kinase 12; plus strand), LOC126862553 (CDK7 strongly-dependent group 2 enhancer GRCh37_chr17:37618166-37619365; plus strand). Cytogenetic location: 17q12.
Variant type: single nucleotide variant.
Coding change: c.271C>T on transcript NM_016507.4 (MANE Select); coding-DNA position 271, C replaced by T.
Protein change: p.Leu91=; no amino-acid change (leucine 91 retained).
Molecular consequence: synonymous variant.
Genome position (GRCh38, 1-based): chr17:39,462,342, C>T. VCF-style: chr17-39462342-C-T. GRCh37 (hg19) VCF-style: chr17-37618595-C-T.
Other names: NP_057591.2:p.Leu91=; c.271C>T, p.Leu91= (NM_015083.4); c.271C>T (NM_016507.2, NM_016507.3).
Identifiers: ClinVar variation 1678978 (VCV001678978.5), dbSNP rs149034064, ClinGen allele CA8530951.

ClinVar aggregate classification (germline): Likely benign. Review status: criteria provided, multiple submitters, no conflicts (2 of 4 stars). 4 submissions from 4 submitters: Likely benign (3). 1 of the submissions does not count toward it. Last evaluated 2024-11-17.

Conditions:
CDK12-related disorder. Also called: CDK12-related condition.
Hereditary breast ovarian cancer syndrome. Also called: Hereditary breast and ovarian cancer syndrome; BRCA1- and BRCA2-Associated Hereditary Breast and Ovarian Cancer; Hereditary breast and ovarian cancer syndrome (HBOC); Hereditary breast and/or ovarian cancer syndrome; Breast and ovarian cancer; Hereditary breast and ovarian cancer. Identifiers: Orphanet 145, MedGen C0677776, MeSH D061325, MONDO:0003582. Disease mechanism: loss of function.

Allele frequency attached by ClinVar (database versions not stated): gnomAD 0.00009 and 0.00105; TOPMed 0.00022; ESP Exome Variant Server 0.00023; gnomAD exomes 0.00182 and 0.00376; ExAC 0.00426; 1000 Genomes Project 30x 0.00625; 1000 Genomes Project 0.00679.
gnomAD v4.1: 2,817 of 1,614,214 alleles (0.17%); highest among the groups gnomAD compares: South Asian, 2.9%; 62 homozygotes.

Submissions (4):

Ambry Genetics
Classification: Likely benign. Last evaluated: 2024-11-17. Review status: criteria provided, single submitter. Criteria: Ambry Variant Classification Scheme 2023. Collection method: clinical testing. Allele origin: germline.

National Health Laboratory Service, Universitas Academic Hospital and University of the Free State
Classification: Likely benign for Hereditary breast ovarian cancer syndrome. Last evaluated: 2022-04-19. Review status: criteria provided, single submitter. Criteria: ACMG Guidelines, 2015. Collection method: clinical testing. Allele origin: germline. Affected: yes. Observed: 3 variant alleles.

Breakthrough Genomics
Classification: Likely benign. Review status: criteria provided, single submitter. Criteria: ACMG Guidelines, 2015. Collection method: not provided. Allele origin: germline. Inheritance: Unknown mechanism. Affected: yes.

PreventionGenetics, part of Exact Sciences
Classification: Benign for CDK12-related condition. Last evaluated: 2019-04-05. Review status: no assertion criteria provided. Collection method: clinical testing. Allele origin: germline. Not counted in ClinVar's aggregate classification.
Comment: This variant is classified as benign based on ACMG/AMP sequence variant interpretation guidelines (Richards et al. 2015 PMID: 25741868, with internal and published modifications).